The following is an entry in ClinVar:

ClinVar aggregate classification (germline): Conflicting classifications of pathogenicity. Review status: criteria provided, conflicting classifications (1 of 4 stars). 7 submissions from 7 submitters: Pathogenic (1); Likely pathogenic (2); Uncertain significance (2). 2 of the submissions do not count toward it. Last evaluated 2026-02-18.

Conditions:
BTD-related disorder. Also called: BTD-related condition.
Biotinidase deficiency. Also called: BTD deficiency; Late-onset biotin-responsive multiple carboxylase deficiency; Biotin deficiency. Identifiers: Orphanet 79241, MedGen C0220754, MONDO:0009665, OMIM 253260.

Allele frequency attached by ClinVar (database versions not stated): gnomAD below 0.00001 and 0.00006; TOPMed 0.00001; gnomAD exomes 0.00014; 1000 Genomes Project 0.00040; 1000 Genomes Project 30x 0.00047.
gnomAD v4.1: 92 of 740,544 alleles (0.012%); highest among the groups gnomAD compares: South Asian, 0.15%; 2 homozygotes.

Submissions (7):

Myriad Genetics, Inc.
Classification: Uncertain significance for Biotinidase deficiency. Last evaluated: 2026-02-18. Review status: criteria provided, single submitter. Criteria: Myriad Autosomal Dominant, Autosomal Recessive and X-Linked Classification Criteria (2023). Collection method: clinical testing. Allele origin: unknown.
Comment: NM_000060.2(BTD):c.*159G>A is a 3' non-coding variant classified as a variant of uncertain significance in the context of biotinidase deficiency. c.*159G>A has been observed in a case with relevant disease (PMID: 11313766). Relevant functional assessments of this variant are not available in the literature. c.*159G>A has not been observed in referenced population frequency databases. In summary, there is insufficient evidence to classify NM_000060.2(BTD):c.*159G>A as pathogenic or benign. Please note: this variant was assessed in the context of healthy population screening.

Labcorp Genetics (formerly Invitae), Labcorp
Classification: Pathogenic for Biotinidase deficiency. Last evaluated: 2026-02-02. Review status: criteria provided, single submitter. Criteria: Invitae Variant Classification Sherloc (09022015). Collection method: clinical testing. Allele origin: germline.
Comment: This variant occurs in a non-coding region of the BTD gene. It does not change the encoded amino acid sequence of the BTD protein. This variant is not present in population databases (gnomAD no frequency). This variant has been observed in individual(s) with biotinidase deficiency (PMID: 11313766). In at least one individual the data is consistent with being in trans (on the opposite chromosome) from a pathogenic variant. It has also been observed to segregate with disease in related individuals. This variant is also known as 12236G>A. ClinVar contains an entry for this variant (Variation ID: 555845). Experimental studies and prediction algorithms are not available or were not evaluated, and the functional significance of this variant is currently unknown. For these reasons, this variant has been classified as Pathogenic.

Women's Health and Genetics/Laboratory Corporation of America, LabCorp
Classification: Likely pathogenic for Biotinidase deficiency. Last evaluated: 2025-10-13. Review status: criteria provided, single submitter. Criteria: LabCorp Variant Classification Summary - May 2015. Collection method: clinical testing. Allele origin: germline.
Comment: Variant summary: BTD c.*159G>A is located in the untranslated mRNA region downstream of the termination codon. The variant was absent in 150958 control chromosomes (gnomAD). c.*159G>A, also known in the literature as 12236G>A, has been reported as a biallelic genotype in three siblings affected with severe Biotinidase Deficiency (Muhl_2001). Unaffected heterozygous family members carrying this variant reportedly had 60% normal biotinidase activity. These data indicate that the variant may be associated with disease. To our knowledge, no experimental evidence demonstrating an impact on protein function has been reported. The following publication has been ascertained in the context of this evaluation (PMID: 11313766). ClinVar contains an entry for this variant (Variation ID: 555845). Based on the evidence outlined above, the variant was classified as likely pathogenic.

Blueprint Genetics
Classification: Uncertain significance. Last evaluated: 2024-11-07. Review status: criteria provided, single submitter. Criteria: ACMG Guidelines, 2015. Collection method: clinical testing. Allele origin: germline.

Fulgent Genetics
Classification: Likely pathogenic for Biotinidase deficiency. Last evaluated: 2023-12-22. Review status: criteria provided, single submitter. Criteria: ACMG Guidelines, 2015. Collection method: clinical testing. Allele origin: germline.

PreventionGenetics, part of Exact Sciences
Classification: Uncertain significance for BTD-related condition. Last evaluated: 2024-02-12. Review status: no assertion criteria provided. Collection method: clinical testing. Allele origin: germline. Not counted in ClinVar's aggregate classification.
Comment: The BTD c.*159G>A variant is located in the 3' untranslated region. This variant was reported in compound heterozygous state with BTD pathogenic variant in three siblings from single family, one sibling was affected with biotinidase deficiency, two other children were clinically asymptomatic at the time of testing. All three siblings had 3.4-4.6 % of residual enzymatic activity as compared to normal values, heterozygote carriers within the family had about 60% residual enzymatic activity (reported as 12236G>A, Table 2, Muhl et al. 2001. PubMed ID: 11313766). This variant has not been reported in a large population database, indicating this variant is rare. Although we suspect that this variant may be pathogenic, at this time, the clinical significance of this variant is uncertain due to the absence of conclusive functional and genetic evidence.

Counsyl
Classification: Uncertain significance for Biotinidase deficiency. Last evaluated: 2017-12-28. Review status: no assertion criteria provided. Collection method: clinical testing. Allele origin: unknown. Not counted in ClinVar's aggregate classification.

Literature cited by the submitters: PubMed 11313766 (cited by 4 submitters).

NM_001370658.1(BTD):c.*159G>A

Gene: BTD (biotinidase; plus strand). Cytogenetic location: 3p25.1.
Variant type: single nucleotide variant.
Coding change: c.*159G>A on transcript NM_001370658.1 (MANE Select); 159 bases downstream of the stop codon, G replaced by A.
Molecular consequence: 3 prime UTR variant. On other transcripts: intron variant (8).
Genome position (GRCh38, 1-based): chr3:15,645,647, G>A. VCF-style: chr3-15645647-G-A. GRCh37 (hg19) VCF-style: chr3-15687154-G-A.
Other names: c.*159G>A (NM_001281723.4, NM_001281724.3, NM_001281725.3 and 17 more transcripts); c.1015+716G>A (NM_001370752.1, NM_001407379.1); c.399+3590G>A (NM_001370753.1, NM_001407400.1, NM_001407380.1 and 3 more transcripts).
Identifiers: ClinVar variation 555845 (VCV000555845.20), dbSNP rs530872564, ClinGen allele CA70623461.